The following is an entry in ClinVar:

NM_001127222.2(CACNA1A):c.7263G>A (p.Pro2421=)

Gene: CACNA1A (calcium voltage-gated channel subunit alpha1 A; minus strand). Cytogenetic location: 19p13.13.
Variant type: single nucleotide variant.
Coding change: c.7263G>A on transcript NM_001127222.2 (MANE Select); coding-DNA position 7263, G replaced by A.
Protein change: p.Pro2421=; no amino-acid change (proline 2421 retained).
Molecular consequence: synonymous variant. On other transcripts: 3 prime UTR variant (3).
Genome position (GRCh38, 1-based): chr19:13,207,571, C>T on the plus strand (G>A on the coding strand, the complement: CACNA1A is on the minus strand). VCF-style: chr19-13207571-C-T. GRCh37 (hg19) VCF-style: chr19-13318385-C-T.
Other names: c.7263G>A (NM_001127222.1); c.*475G>A (NM_000068.4, NM_001127221.2, NM_001174080.2); c.7281G>A, p.Pro2427= (NM_023035.3).
Identifiers: ClinVar variation 1879420 (VCV001879420.29), dbSNP rs1276923109, ClinGen allele CA505784763.

ClinVar aggregate classification (germline): Likely benign. Review status: criteria provided, single submitter (1 of 4 stars). 2 submissions from 2 submitters: Likely benign (1). 1 of the submissions does not count toward it. Last evaluated 2023-06-01.

Conditions:
CACNA1A-related disorder. Also called: CACNA1A-related condition.

Allele frequency attached by ClinVar (database versions not stated): TOPMed 0.00001.

Submissions (2):

CeGaT Center for Human Genetics Tuebingen
Classification: Likely benign. Last evaluated: 2023-06-01. Review status: criteria provided, single submitter. Criteria: CeGaT Center For Human Genetics Tuebingen Variant Classification Criteria Version 2. Collection method: clinical testing. Allele origin: germline. Affected: yes. Observed: 2 variant alleles.
Comment: CACNA1A: BP4, BP7

PreventionGenetics, part of Exact Sciences
Classification: Likely benign for CACNA1A-related condition. Last evaluated: 2023-02-08. Review status: no assertion criteria provided. Collection method: clinical testing. Allele origin: germline. Not counted in ClinVar's aggregate classification.
Comment: This variant is classified as likely benign based on ACMG/AMP sequence variant interpretation guidelines (Richards et al. 2015 PMID: 25741868, with internal and published modifications).